The following is an entry in ClinVar:

NC_000010.10:g.(?_69556874)_(69565565_?)del

Gene: DNAJC12 (DnaJ heat shock protein family (Hsp40) member C12; minus strand). Cytogenetic location: 10q21.3.
Variant type: Deletion.
Identifiers: ClinVar variation 1459819 (VCV001459819.5).

ClinVar aggregate classification (germline): Pathogenic (1 of 4 stars; one submission).

Submission:

Labcorp Genetics (formerly Invitae), Labcorp
Classification: Pathogenic. Last evaluated: 2022-02-11. Review status: criteria provided, single submitter. Criteria: Invitae Variant Classification Sherloc (09022015). Collection method: clinical testing. Allele origin: germline.
Comment: This variant is a gross deletion of the genomic region encompassing exon(s) 4-5 of the DNAJC12 gene, which includes the termination codon. This deletion extends beyond the assayed region for this gene and therefore may encompass additional genes. While this deletion is not anticipated to lead to nonsense mediated decay, it is expected to alter mRNA translation or result in a truncated protein product. This variant has not been reported in the literature in individuals affected with DNAJC12-related conditions. This variant disrupts a region of the DNAJC12 protein in which other variant(s) (p.Trp175*) have been determined to be pathogenic (PMID: 30626930, 32333439). This suggests that this is a clinically significant region of the protein, and that variants that disrupt it are likely to be disease-causing. For these reasons, this variant has been classified as Pathogenic.

Literature cited by the submitters: PubMed 30626930; PubMed 32333439.